The following is an entry in ClinVar:

ClinVar aggregate classification (germline): Likely pathogenic (1 of 4 stars; one submission).

Conditions:
Aicardi-Goutieres syndrome 5. Identifiers: Orphanet 51, MedGen C2749659, MONDO:0013059, OMIM 612952.

Submission:

Labcorp Genetics (formerly Invitae), Labcorp
Classification: Likely pathogenic for Aicardi-Goutieres syndrome 5. Last evaluated: 2024-05-25. Review status: criteria provided, single submitter. Criteria: Invitae Variant Classification Sherloc (09022015). Collection method: clinical testing. Allele origin: germline.
Comment: This sequence change affects a donor splice site in intron 6 of the SAMHD1 gene. It is expected to disrupt RNA splicing. Variants that disrupt the donor or acceptor splice site typically lead to a loss of protein function (PMID: 16199547), and loss-of-function variants in SAMHD1 are known to be pathogenic (PMID: 19525956, 22461318). This variant is not present in population databases (gnomAD no frequency). This variant has not been reported in the literature in individuals affected with SAMHD1-related conditions. Algorithms developed to predict the effect of sequence changes on RNA splicing suggest that this variant may disrupt the consensus splice site. In summary, the currently available evidence indicates that the variant is pathogenic, but additional data are needed to prove that conclusively. Therefore, this variant has been classified as Likely Pathogenic.

Literature cited by the submitters: PubMed 16199547; PubMed 19525956; PubMed 22461318.

NM_015474.4(SAMHD1):c.696+2T>C

Gene: SAMHD1 (SAM and HD domain containing deoxynucleoside triphosphate triphosphohydrolase 1; minus strand). Cytogenetic location: 20q11.23.
Variant type: single nucleotide variant.
Coding change: c.696+2T>C on transcript NM_015474.4 (MANE Select); the canonical splice donor site of the intron after coding-DNA position 696, T replaced by C.
Molecular consequence: splice donor variant.
Genome position (GRCh38, 1-based): chr20:36,927,180, A>G on the plus strand (T>C on the coding strand, the complement: SAMHD1 is on the minus strand). VCF-style: chr20-36927180-A-G. GRCh37 (hg19) VCF-style: chr20-35555583-A-G.
Other names: c.696+2T>C (NM_001363729.2, NM_001363733.2).
Identifiers: ClinVar variation 2825887 (VCV002825887.3), dbSNP rs2515254153, ClinGen allele CA408821412.